The following is an entry in ClinVar:

NM_001142864.4(PIEZO1):c.6707C>T (p.Thr2236Met)

Gene: PIEZO1 (piezo type mechanosensitive ion channel component 1 (Er blood group); minus strand). Cytogenetic location: 16q24.3.
Variant type: single nucleotide variant.
Coding change: c.6707C>T on transcript NM_001142864.4 (MANE Select); coding-DNA position 6707, C replaced by T.
Protein change: p.Thr2236Met; replaces threonine 2236 with methionine.
Molecular consequence: missense variant.
Genome position (GRCh38, 1-based): chr16:88,716,852, G>A on the plus strand (C>T on the coding strand, the complement: PIEZO1 is on the minus strand). VCF-style: chr16-88716852-G-A. GRCh37 (hg19) VCF-style: chr16-88783260-G-A.
Other names: p.Thr2236Met; short protein forms T2236M.
Identifiers: ClinVar variation 4542085 (VCV004542085.1).

ClinVar aggregate classification (germline): Uncertain significance (1 of 4 stars; one submission).

gnomAD v4.1: 14 of 1,550,144 alleles (0.0009%); highest among the groups gnomAD compares: Middle Eastern, 0.017%; no homozygotes.

Submission:

Mayo Clinic Laboratories, Mayo Clinic
Classification: Uncertain significance. Last evaluated: 2025-05-06. Review status: criteria provided, single submitter. Criteria: ACMG Guidelines, 2015. Collection method: clinical testing. Allele origin: germline. Observed: 1 variant allele.
Comment: PM2_supporting